The following is an entry in ClinVar:

NM_000238.4(KCNH2):c.1901C>T (p.Thr634Ile)

Gene: KCNH2 (potassium voltage-gated channel subfamily H member 2; minus strand). Cytogenetic location: 7q36.1.
Variant type: single nucleotide variant.
Coding change: c.1901C>T on transcript NM_000238.4 (MANE Select); coding-DNA position 1901, C replaced by T.
Protein change: p.Thr634Ile; replaces threonine 634 with isoleucine.
Molecular consequence: missense variant.
Genome position (GRCh38, 1-based): chr7:150,951,492, G>A on the plus strand (C>T on the coding strand, the complement: KCNH2 is on the minus strand). VCF-style: chr7-150951492-G-A. GRCh37 (hg19) VCF-style: chr7-150648580-G-A.
Other names: c.1901C>T (LRG_288t1); c.881C>T, p.Thr294Ile (NM_001204798.2, NM_172057.3); c.1613C>T, p.Thr538Ile (NM_001406753.1, NM_001406756.1); c.1724C>T, p.Thr575Ile (NM_001406755.1); c.1601C>T, p.Thr534Ile (NM_001406757.1); c.1901C>T, p.Thr634Ile (NM_172056.3); short protein forms T294I, T634I, T538I, T534I, T575I.
Identifiers: ClinVar variation 67325 (VCV000067325.9), dbSNP rs199472962, ClinGen allele CA005920.

ClinVar aggregate classification (germline): Uncertain significance. Review status: criteria provided, single submitter (1 of 4 stars). 2 submissions from 2 submitters: Uncertain significance (1). 1 of the submissions does not count toward it. Last evaluated 2023-04-15.

Conditions:
Familial long QT syndrome (RWS). Also called: Congenital long QT syndrome; Romano-Ward syndrome; VENTRICULAR FIBRILLATION WITH PROLONGED QT INTERVAL. Identifiers: Orphanet 768, MedGen C1141890, MONDO:0019171.
Long QT syndrome (LQTS). Identifiers: MedGen C0023976, MeSH D008133, MONDO:0002442. Disease mechanism: loss of function. Inheritance: Various modes of inheritance.

Submissions (2):

Labcorp Genetics (formerly Invitae), Labcorp
Classification: Uncertain significance for Long QT syndrome. Last evaluated: 2023-04-15. Review status: criteria provided, single submitter. Criteria: Invitae Variant Classification Sherloc (09022015). Collection method: clinical testing. Allele origin: germline.
Comment: In summary, the available evidence is currently insufficient to determine the role of this variant in disease. Therefore, it has been classified as a Variant of Uncertain Significance. Experimental studies have shown that this missense change affects KCNH2 function (PMID: 25417810, 32321643). An algorithm developed to predict the effect of missense changes on protein structure and function (PolyPhen-2) suggests that this variant is likely to be disruptive. ClinVar contains an entry for this variant (Variation ID: 67325). This missense change has been observed in individual(s) with referred for genetic testing for long QT syndrome (PMID: 19716085). This variant is not present in population databases (gnomAD no frequency). This sequence change replaces threonine, which is neutral and polar, with isoleucine, which is neutral and non-polar, at codon 634 of the KCNH2 protein (p.Thr634Ile).

Cardiovascular Biomedical Research Unit, Royal Brompton & Harefield NHS Foundation Trust
No classification provided. Condition: Familial long QT syndrome. Review status: no classification provided. Collection method: literature only. Allele origin: germline. Not counted in ClinVar's aggregate classification.
Comment: This variant has been reported as associated with Long QT syndrome in the following publications (PMID:19716085). This is a literature report, and does not necessarily reflect the clinical interpretation of the Imperial College / Royal Brompton Cardiovascular Genetics laboratory.

Literature cited by the submitters: PubMed 25417810 (cited by Labcorp Genetics (formerly Invitae), Labcorp); PubMed 32321643 (cited by Labcorp Genetics (formerly Invitae), Labcorp); PubMed 19716085 (cited by Labcorp Genetics (formerly Invitae), Labcorp and Cardiovascular Biomedical Research Unit, Royal Brompton & Harefield NHS Foundation Trust); PubMed 22581653 (cited by Cardiovascular Biomedical Research Unit, Royal Brompton & Harefield NHS Foundation Trust).